The following is an entry in ClinVar:

ClinVar aggregate classification (germline): Uncertain significance. Review status: criteria provided, multiple submitters, no conflicts (2 of 4 stars). 3 submissions from 3 submitters: Uncertain significance (3). Last evaluated 2023-03-21.

Conditions:
Inborn genetic diseases. Identifiers: MedGen C0950123, MeSH D030342.

Allele frequency attached by ClinVar (database versions not stated): TOPMed below 0.00001.
gnomAD v4.1: 3 of 1,012,468 alleles (0.0003%); highest among the groups gnomAD compares: Non-Finnish European, 0.00038%; no homozygotes.

Submissions (3):

Labcorp Genetics (formerly Invitae), Labcorp
Classification: Uncertain significance. Last evaluated: 2023-03-21. Review status: criteria provided, single submitter. Criteria: Invitae Variant Classification Sherloc (09022015). Collection method: clinical testing. Allele origin: germline.
Comment: This variant has not been reported in the literature in individuals affected with NYX-related conditions. ClinVar contains an entry for this variant (Variation ID: 1370822). Advanced modeling of protein sequence and biophysical properties (such as structural, functional, and spatial information, amino acid conservation, physicochemical variation, residue mobility, and thermodynamic stability) performed at Invitae indicates that this missense variant is not expected to disrupt NYX protein function. In summary, the available evidence is currently insufficient to determine the role of this variant in disease. Therefore, it has been classified as a Variant of Uncertain Significance. The frequency data for this variant in the population databases is considered unreliable, as metrics indicate insufficient coverage at this position in the gnomAD database. This sequence change replaces glycine, which is neutral and non-polar, with arginine, which is basic and polar, at codon 43 of the NYX protein (p.Gly43Arg).

Ambry Genetics
Classification: Uncertain significance for Inborn genetic diseases. Last evaluated: 2022-05-27. Review status: criteria provided, single submitter. Criteria: Ambry Variant Classification Scheme 2023. Collection method: clinical testing. Allele origin: germline.

Breakthrough Genomics
Classification: Uncertain significance. Review status: criteria provided, single submitter. Criteria: ACMG Guidelines, 2015. Collection method: not provided. Allele origin: germline. Inheritance: X-linked recessive inheritance. Affected: yes.

NM_001378477.3(NYX):c.112G>C (p.Gly38Arg)

Gene: NYX (nyctalopin; plus strand). Cytogenetic location: Xp11.4.
Variant type: single nucleotide variant.
Coding change: c.112G>C on transcript NM_001378477.3 (MANE Select); coding-DNA position 112, G replaced by C.
Protein change: p.Gly38Arg; replaces glycine 38 with arginine.
Molecular consequence: missense variant.
Genome position (GRCh38, 1-based): chrX:41,473,580, G>C. VCF-style: chrX-41473580-G-C. GRCh37 (hg19) VCF-style: chrX-41332833-G-C.
Other names: c.112G>C, p.Gly38Arg (NM_022567.3); c.127G>C (NM_022567.2); short protein forms G38R.
Identifiers: ClinVar variation 1370822 (VCV001370822.10), dbSNP rs2064371733, ClinGen allele CA412989429.